The following is an entry in ClinVar:

NM_014956.5(CEP164):c.710C>A (p.Pro237His)

Gene: CEP164 (centrosomal protein 164; plus strand). Cytogenetic location: 11q23.3.
Variant type: single nucleotide variant.
Coding change: c.710C>A on transcript NM_014956.5 (MANE Select); coding-DNA position 710, C replaced by A.
Protein change: p.Pro237His; replaces proline 237 with histidine.
Molecular consequence: missense variant.
Genome position (GRCh38, 1-based): chr11:117,363,451, C>A. VCF-style: chr11-117363451-C-A. GRCh37 (hg19) VCF-style: chr11-117234167-C-A.
Other names: c.710C>A, p.Pro237His (NM_001271933.2); c.710C>A (NM_014956.4); short protein forms P237H.
Identifiers: ClinVar variation 1432009 (VCV001432009.8), dbSNP rs567606919, ClinGen allele CA6294568.
Genomic context (GRCh38, chr11:117,363,451, plus strand): 5'-TCTTCAGAGTTACCACTTGTCATCATTTTTGTTTCTAGAGTGTCCACAGCTCAAGTGAGC[C>A]TCTTAGGAACCTACACCTGGACATTGGGGCACTGGGGGGTGACTTTGAGTATGAGGTAAG-3'
Protein context (NP_055771.4, residues 227-247): DNQSVHSSSE[Pro237His]LRNLHLDIGA

ClinVar aggregate classification (germline): Uncertain significance. Review status: criteria provided, multiple submitters, no conflicts (2 of 4 stars). 3 submissions from 3 submitters: Uncertain significance (3). Last evaluated 2025-01-22.

Conditions:
Nephronophthisis 15 (NPHP15). Identifiers: Orphanet 3156, MedGen C3541853, MONDO:0013917, OMIM 614845.
Inborn genetic diseases. Identifiers: MedGen C0950123, MeSH D030342.

Allele frequency attached by ClinVar (database versions not stated): gnomAD exomes below 0.00001 and 0.00001; ExAC 0.00001; TOPMed 0.00003; gnomAD 0.00005; 1000 Genomes Project 30x 0.00016; 1000 Genomes Project 0.00020.
gnomAD v4.1: 12 of 1,613,938 alleles (0.00074%); highest among the groups gnomAD compares: African/African-American, 0.016%; no homozygotes.

Submissions (3):

Ambry Genetics
Classification: Uncertain significance for Inborn genetic diseases. Last evaluated: 2025-01-22. Review status: criteria provided, single submitter. Criteria: Ambry Variant Classification Scheme 2023. Collection method: clinical testing. Allele origin: germline.

Fulgent Genetics
Classification: Uncertain significance for Nephronophthisis 15. Last evaluated: 2024-01-18. Review status: criteria provided, single submitter. Criteria: ACMG Guidelines, 2015. Collection method: clinical testing. Allele origin: germline.

Labcorp Genetics (formerly Invitae), Labcorp
Classification: Uncertain significance for Nephronophthisis 15. Last evaluated: 2022-06-08. Review status: criteria provided, single submitter. Criteria: Invitae Variant Classification Sherloc (09022015). Collection method: clinical testing. Allele origin: germline.
Comment: Algorithms developed to predict the effect of missense changes on protein structure and function are either unavailable or do not agree on the potential impact of this missense change (SIFT: "Deleterious"; PolyPhen-2: "Possibly Damaging"; Align-GVGD: "Class C0"). In summary, the available evidence is currently insufficient to determine the role of this variant in disease. Therefore, it has been classified as a Variant of Uncertain Significance. This variant has not been reported in the literature in individuals affected with CEP164-related conditions. This variant is present in population databases (rs567606919, gnomAD 0.01%). This sequence change replaces proline, which is neutral and non-polar, with histidine, which is basic and polar, at codon 237 of the CEP164 protein (p.Pro237His).